The following is an entry in ClinVar:

ClinVar aggregate classification (germline): Benign/Likely benign. Review status: criteria provided, multiple submitters, no conflicts (2 of 4 stars). 4 submissions from 4 submitters: Benign (1); Likely benign (2). 1 of the submissions does not count toward it. Last evaluated 2026-01-21.

Conditions:
Hereditary cancer-predisposing syndrome. Also called: Neoplastic Syndromes, Hereditary; Hereditary Cancer Syndrome; Hereditary neoplastic syndrome; Tumor predisposition. Identifiers: Orphanet 140162, MedGen C0027672, MeSH D009386, MONDO:0015356.
SDHA-related disorder. Also called: SDHA-related condition; SDHA-related disorders.
Mitochondrial complex II deficiency, nuclear type 1. Also called: SUCCINATE CoQ REDUCTASE DEFICIENCY. Identifiers: Orphanet 3208, MedGen C5700310, MONDO:0100294, OMIM 252011.
Pheochromocytoma/paraganglioma syndrome 5. Also called: Paragangliomas 5; SDHA-Related Hereditary Paraganglioma-Pheochromocytoma Syndrome. Identifiers: Orphanet 29072, MedGen C3279992, MONDO:0013602, OMIM 614165.

Allele frequency attached by ClinVar (database versions not stated): ExAC 0.00002; gnomAD exomes 0.00002; gnomAD 0.00003 and 0.00004; TOPMed 0.00010.
gnomAD v4.1: 33 of 1,613,582 alleles (0.002%); highest among the groups gnomAD compares: Admixed American, 0.018%; no homozygotes.

Submissions (4):

Labcorp Genetics (formerly Invitae), Labcorp
Classification: Likely benign for Pheochromocytoma/paraganglioma syndrome 5; Mitochondrial complex II deficiency, nuclear type 1. Last evaluated: 2026-01-21. Review status: criteria provided, single submitter. Criteria: Invitae Variant Classification Sherloc (09022015). Collection method: clinical testing. Allele origin: germline.

Myriad Genetics, Inc.
Classification: Benign for Pheochromocytoma/paraganglioma syndrome 5. Last evaluated: 2025-03-11. Review status: criteria provided, single submitter. Criteria: Myriad Autosomal Dominant, Autosomal Recessive and X-Linked Classification Criteria (2023). Collection method: clinical testing. Allele origin: unknown.
Comment: This variant is considered benign. This variant is a silent/synonymous amino acid change and it is not expected to impact splicing.

Ambry Genetics
Classification: Likely benign for Hereditary cancer-predisposing syndrome. Last evaluated: 2016-02-04. Review status: criteria provided, single submitter. Criteria: Ambry Variant Classification Scheme 2023. Collection method: clinical testing. Allele origin: germline.

PreventionGenetics, part of Exact Sciences
Classification: Likely benign for SDHA-related condition. Last evaluated: 2020-07-28. Review status: no assertion criteria provided. Collection method: clinical testing. Allele origin: germline. Not counted in ClinVar's aggregate classification.
Comment: This variant is classified as likely benign based on ACMG/AMP sequence variant interpretation guidelines (Richards et al. 2015 PMID: 25741868, with internal and published modifications).

NM_004168.4(SDHA):c.1929C>T (p.Pro643=)

Gene: SDHA (succinate dehydrogenase complex flavoprotein subunit A; plus strand). Cytogenetic location: 5p15.33.
Variant type: single nucleotide variant.
Coding change: c.1929C>T on transcript NM_004168.4 (MANE Select); coding-DNA position 1929, C replaced by T.
Protein change: p.Pro643=; no amino-acid change (proline 643 retained).
Molecular consequence: synonymous variant.
Genome position (GRCh38, 1-based): chr5:256,354, C>T. VCF-style: chr5-256354-C-T. GRCh37 (hg19) VCF-style: chr5-256469-C-T.
Other names: c.1785C>T, p.Pro595= (NM_001294332.2); c.1686C>T, p.Pro562= (NM_001330758.2).
Identifiers: ClinVar variation 472375 (VCV000472375.19), dbSNP rs761201589, ClinGen allele CA3173462.
Genomic context (GRCh38, chr5:256,354, plus strand): 5'-CATTTTTGTGCTTAACTTACCACTGACTCTTCTTTTCAAGGTCACTCTGGAATATAGACC[C>T]GTGATCGACAAAACTTTGAACGAGGCTGACTGTGCCACCGTCCCGCCAGCCATTCGCTCC-3'
Protein context (NP_004159.2, residues 633-653): GTGKVTLEYR[Pro643=]VIDKTLNEAD